The following is an entry in ClinVar:

ClinVar aggregate classification (germline): Uncertain significance (1 of 4 stars; one submission).

gnomAD v4.1: 1 of 1,608,940 alleles (0.000062%); highest among the groups gnomAD compares: Non-Finnish European, 0.000085%; no homozygotes.

Submission:

GeneDx
Classification: Uncertain significance. Last evaluated: 2019-11-19. Review status: criteria provided, single submitter. Criteria: GeneDx Variant Classification Process June 2021. Collection method: clinical testing. Allele origin: germline. Affected: yes.
Comment: Not observed in large population cohorts (Lek et al., 2016); In silico analysis, which includes protein predictors and evolutionary conservation, supports that this variant does not alter protein structure/function; Has not been previously published as pathogenic or benign to our knowledge

NM_007118.4(TRIO):c.7421C>A (p.Pro2474His)

Gene: TRIO (trio Rho guanine nucleotide exchange factor; plus strand). Cytogenetic location: 5p15.2.
Variant type: single nucleotide variant.
Coding change: c.7421C>A on transcript NM_007118.4 (MANE Select); coding-DNA position 7421, C replaced by A.
Protein change: p.Pro2474His; replaces proline 2474 with histidine.
Molecular consequence: missense variant.
Genome position (GRCh38, 1-based): chr5:14,488,049, C>A. VCF-style: chr5-14488049-C-A. GRCh37 (hg19) VCF-style: chr5-14488158-C-A.
Other names: short protein forms P2474H.
Identifiers: ClinVar variation 1194444 (VCV001194444.2), dbSNP rs779173803, ClinGen allele CA359237430.